The following is an entry in ClinVar:

NM_032380.5(GFM2):c.1220+1G>A

Gene: GFM2 (GTP dependent ribosome recycling factor mitochondrial 2; minus strand). Cytogenetic location: 5q13.3.
Variant type: single nucleotide variant.
Coding change: c.1220+1G>A on transcript NM_032380.5 (MANE Select); the canonical splice donor site of the intron after coding-DNA position 1220, G replaced by A.
Molecular consequence: splice donor variant. On other transcripts: intron variant (1).
Genome position (GRCh38, 1-based): chr5:74,738,501, C>T on the plus strand (G>A on the coding strand, the complement: GFM2 is on the minus strand). VCF-style: chr5-74738501-C-T. GRCh37 (hg19) VCF-style: chr5-74034326-C-T.
Other names: c.1080-84G>A (NM_170691.3); c.1316+1G>A (NM_001281302.2); c.1220+1G>A (NM_170681.3).
Identifiers: ClinVar variation 4886746 (VCV004886746.2).

ClinVar aggregate classification (germline): Uncertain significance (1 of 4 stars; one submission).

gnomAD v4.1: 18 of 1,611,760 alleles (0.0011%); highest among the groups gnomAD compares: African/African-American, 0.0027%; no homozygotes.

Submission:

Dasa
Classification: Uncertain significance. Last evaluated: 2025-06-29. Review status: criteria provided, single submitter. Criteria: DASA Assertion Criteria. Collection method: clinical testing. Allele origin: germline.
Comment: NM_032380.5(GFM2):c.1220+1G>A affects a canonical splice site and is predicted to disrupt normal RNA splicing. This variant is rare in population databases. The currently available literature and clinical evidence are not sufficient to establish a definitive association between this variant and the reported condition. Therefore, this variant is classified as a variant of uncertain significance.